The following is an entry in ClinVar:

ClinVar aggregate classification (germline): Conflicting classifications of pathogenicity. Review status: criteria provided, conflicting classifications (1 of 4 stars). 6 submissions from 6 submitters: Likely pathogenic (1); Uncertain significance (3); Likely benign (2). Last evaluated 2026-01-19.

Conditions:
Hereditary cancer-predisposing syndrome. Also called: Hereditary neoplastic syndrome; Neoplastic Syndromes, Hereditary; Hereditary Cancer Syndrome; Tumor predisposition. Identifiers: Orphanet 140162, MedGen C0027672, MeSH D009386, MONDO:0015356.
Ovarian cancer. Also called: OVARIAN CANCER, SOMATIC. Identifiers: Orphanet 213500, MedGen C1140680, MONDO:0008170, OMIM 167000.
Neuroblastoma, susceptibility to, 3. Also called: ALK-Related Neuroblastic Tumor Susceptibility. Identifiers: Orphanet 635, MedGen C2751681, MONDO:0013083, OMIM 613014.

Allele frequency attached by ClinVar (database versions not stated): gnomAD exomes 0.00002 and 0.00004; gnomAD 0.00003; TOPMed 0.00003; ExAC 0.00004; 1000 Genomes Project 30x 0.00016; 1000 Genomes Project 0.00020.
gnomAD v4.1: 40 of 1,614,124 alleles (0.0025%); highest among the groups gnomAD compares: East Asian, 0.022%; no homozygotes.

Submissions (6):

Labcorp Genetics (formerly Invitae), Labcorp
Classification: Uncertain significance for Neuroblastoma, susceptibility to, 3. Last evaluated: 2026-01-19. Review status: criteria provided, single submitter. Criteria: Invitae Variant Classification Sherloc (09022015). Collection method: clinical testing. Allele origin: germline.
Comment: This sequence change replaces arginine, which is basic and polar, with histidine, which is basic and polar, at codon 291 of the ALK protein (p.Arg291His). This variant is present in population databases (rs572340007, gnomAD 0.03%). This variant has not been reported in the literature in individuals affected with ALK-related conditions. ClinVar contains an entry for this variant (Variation ID: 404374). An algorithm developed to predict the effect of missense changes on protein structure and function (PolyPhen-2) suggests that this variant is likely to be tolerated. In summary, the available evidence is currently insufficient to determine the role of this variant in disease. Therefore, it has been classified as a Variant of Uncertain Significance.

GeneDx
Classification: Uncertain significance. Last evaluated: 2025-03-14. Review status: criteria provided, single submitter. Criteria: GeneDx Variant Classification Process June 2021. Collection method: clinical testing. Allele origin: germline.
Comment: In silico analysis indicates that this missense variant does not alter protein structure/function; Has not been previously published as pathogenic or benign to our knowledge; This variant is associated with the following publications: (PMID: 29880898, 25874976)

Ambry Genetics
Classification: Likely benign for Hereditary cancer-predisposing syndrome. Last evaluated: 2024-08-20. Review status: criteria provided, single submitter. Criteria: Ambry Variant Classification Scheme 2023. Collection method: clinical testing. Allele origin: germline.

Baylor Genetics
Classification: Uncertain significance for Neuroblastoma, susceptibility to, 3. Last evaluated: 2024-03-27. Review status: criteria provided, single submitter. Criteria: ACMG Guidelines, 2015. Collection method: clinical testing. Allele origin: unknown.

Laboratory of Molecular Epidemiology of Birth Defects, West China Second University Hospital, Sichuan University
Classification: Likely pathogenic for Ovarian cancer. Last evaluated: 2022-01-01. Review status: criteria provided, single submitter. Criteria: ACMG Guidelines, 2015. Collection method: clinical testing. Allele origin: germline. Affected: yes.

Illumina Laboratory Services, Illumina
Classification: Likely benign for Neuroblastoma, susceptibility to, 3. Last evaluated: 2018-01-12. Review status: criteria provided, single submitter. Criteria: ICSL Variant Classification Criteria 13 December 2019. Collection method: clinical testing. Allele origin: germline.
Comment: This variant was observed in the ICSL laboratory as part of a predisposition screen in an ostensibly healthy population. It had not been previously curated by ICSL or reported in the Human Gene Mutation Database (HGMD: prior to June 1st, 2018), and was therefore a candidate for classification through an automated scoring system. Utilizing variant allele frequency, disease prevalence and penetrance estimates, and inheritance mode, an automated score was calculated to assess if this variant is too frequent to cause the disease. Based on the score and internal cut-off values, a variant classified as likely benign is not then subjected to further curation. The score for this variant resulted in a classification of likely benign for this disease.

NM_004304.5(ALK):c.872G>A (p.Arg291His)

Gene: ALK (ALK receptor tyrosine kinase; minus strand). Cytogenetic location: 2p23.2.
Variant type: single nucleotide variant.
Coding change: c.872G>A on transcript NM_004304.5 (MANE Select); coding-DNA position 872, G replaced by A.
Protein change: p.Arg291His; replaces arginine 291 with histidine.
Molecular consequence: missense variant.
Genome position (GRCh38, 1-based): chr2:29,694,930, C>T on the plus strand (G>A on the coding strand, the complement: ALK is on the minus strand). VCF-style: chr2-29694930-C-T. GRCh37 (hg19) VCF-style: chr2-29917796-C-T.
Other names: short protein forms R291H.
Identifiers: ClinVar variation 404374 (VCV000404374.19), dbSNP rs572340007, ClinGen allele CA1594833.